The following is an entry in ClinVar:

ClinVar aggregate classification (germline): Benign/Likely benign. Review status: criteria provided, multiple submitters, no conflicts (2 of 4 stars). 5 submissions from 5 submitters: Benign (2); Likely benign (3). Last evaluated 2026-02-01.

Conditions:
Retinitis pigmentosa 69 (RP69). Identifiers: Orphanet 791, MedGen C4014312, MONDO:0014345, OMIM 615780.

Allele frequency attached by ClinVar (database versions not stated): gnomAD exomes 0.00042 and 0.00097; ExAC 0.00116; 1000 Genomes Project 30x 0.00297; 1000 Genomes Project 0.00319; gnomAD 0.00379 and 0.00412; TOPMed 0.00414; ESP Exome Variant Server 0.00426.

Submissions (5):

Labcorp Genetics (formerly Invitae), Labcorp
Classification: Benign. Last evaluated: 2026-02-01. Review status: criteria provided, single submitter. Criteria: Invitae Variant Classification Sherloc (09022015). Collection method: clinical testing. Allele origin: germline.

Blueprint Genetics
Classification: Likely benign. Last evaluated: 2024-11-01. Review status: criteria provided, single submitter. Criteria: ACMG Guidelines, 2015. Collection method: clinical testing. Allele origin: germline.

CeGaT Center for Human Genetics Tuebingen
Classification: Likely benign. Last evaluated: 2024-09-01. Review status: criteria provided, single submitter. Criteria: CeGaT Center For Human Genetics Tuebingen Variant Classification Criteria Version 2. Collection method: clinical testing. Allele origin: germline. Affected: yes. Observed: 1 variant allele.
Comment: KIZ: BP4, BS1

Fulgent Genetics
Classification: Likely benign for Retinitis pigmentosa 69. Last evaluated: 2022-05-20. Review status: criteria provided, single submitter. Criteria: ACMG Guidelines, 2015. Collection method: clinical testing. Allele origin: unknown.

Breakthrough Genomics
Classification: Benign. Review status: criteria provided, single submitter. Criteria: ACMG Guidelines, 2015. Collection method: not provided. Allele origin: germline. Inheritance: Autosomal recessive inheritance. Affected: yes.

NM_018474.6(KIZ):c.1024C>G (p.Pro342Ala)

Gene: KIZ (kizuna centrosomal protein; plus strand). Cytogenetic location: 20p11.23.
Variant type: single nucleotide variant.
Coding change: c.1024C>G on transcript NM_018474.6 (MANE Select); coding-DNA position 1024, C replaced by G.
Protein change: p.Pro342Ala; replaces proline 342 with alanine.
Molecular consequence: missense variant.
Genome position (GRCh38, 1-based): chr20:21,162,489, C>G. VCF-style: chr20-21162489-C-G. GRCh37 (hg19) VCF-style: chr20-21143130-C-G.
Other names: c.715C>G, p.Pro239Ala (NM_001163022.3, NM_001352435.2); c.625C>G, p.Pro209Ala (NM_001163023.3); c.877C>G, p.Pro293Ala (NM_001276389.2); c.1024C>G, p.Pro342Ala (NM_001352434.2); c.682C>G, p.Pro228Ala (NM_001352436.2); short protein forms P209A, P228A, P239A, P293A, P342A.
Identifiers: ClinVar variation 1167554 (VCV001167554.25), dbSNP rs151319642, ClinGen allele CA9784756.